The following is an entry in ClinVar:

NM_001606.5(ABCA2):c.2322C>T (p.Tyr774=)

Gene: ABCA2 (ATP binding cassette subfamily A member 2; minus strand). Cytogenetic location: 9q34.3.
Variant type: single nucleotide variant.
Coding change: c.2322C>T on transcript NM_001606.5 (MANE Select); coding-DNA position 2322, C replaced by T.
Protein change: p.Tyr774=; no amino-acid change (tyrosine 774 retained).
Molecular consequence: synonymous variant.
Genome position (GRCh38, 1-based): chr9:137,017,582, G>A on the plus strand (C>T on the coding strand, the complement: ABCA2 is on the minus strand). VCF-style: chr9-137017582-G-A. GRCh37 (hg19) VCF-style: chr9-139912034-G-A.
Other names: c.2319C>T, p.Tyr773= (NM_001411042.1); c.2412C>T, p.Tyr804= (NM_212533.3).
Identifiers: ClinVar variation 4872399 (VCV004872399.3).

ClinVar aggregate classification (germline): Likely benign. Review status: criteria provided, multiple submitters, no conflicts (2 of 4 stars). 2 submissions from 2 submitters: Likely benign (2). Last evaluated 2026-05-01.

gnomAD v4.1: 350 of 1,612,732 alleles (0.022%); highest among the groups gnomAD compares: Admixed American, 0.15%; 1 homozygote.

Submissions (2):

CeGaT Center for Human Genetics Tuebingen
Classification: Likely benign. Last evaluated: 2026-05-01. Review status: criteria provided, single submitter. Criteria: CeGaT Center For Human Genetics Tuebingen Variant Classification Criteria Version 2. Collection method: clinical testing. Allele origin: germline. Affected: yes. Observed: 1 variant allele.
Comment: ABCA2: BP4, BP7

Blueprint Genetics
Classification: Likely benign. Last evaluated: 2024-03-14. Review status: criteria provided, single submitter. Criteria: ACMG Guidelines, 2015. Collection method: clinical testing. Allele origin: germline.